The following is an entry in ClinVar:

ClinVar aggregate classification (germline): Uncertain significance (1 of 4 stars; one submission).

Conditions:
Catel-Manzke syndrome. Also called: MICROGNATHIA DIGITAL SYNDROME; PIERRE ROBIN SYNDROME WITH HYPERPHALANGY AND CLINODACTYLY; HYPERPHALANGY-CLINODACTYLY OF INDEX FINGER WITH PIERRE ROBIN SYNDROME; INDEX FINGER ANOMALY WITH PIERRE ROBIN SYNDROME. Identifiers: Orphanet 1388, MedGen C1844887, MONDO:0014507, OMIM 616145.

gnomAD v4.1: 7 of 1,613,836 alleles (0.00043%); highest among the groups gnomAD compares: South Asian, 0.0066%; no homozygotes.

Submission:

Juno Genomics, Hangzhou Juno Genomics, Inc
Classification: Uncertain significance for Catel-Manzke syndrome. Review status: criteria provided, single submitter. Criteria: ACMG Guidelines, 2015. Collection method: clinical testing. Allele origin: germline.
Comment: Absent from controls (or at extremely low frequency if recessive) in Genome Aggregation Database.;Multiple lines of computational evidence support a deleterious effect on the gene or gene product.

NM_014305.4(TGDS):c.701A>G (p.Tyr234Cys)

Gene: TGDS (TDP-glucose 4,6-dehydratase; minus strand). Cytogenetic location: 13q32.1.
Variant type: single nucleotide variant.
Coding change: c.701A>G on transcript NM_014305.4 (MANE Select); coding-DNA position 701, A replaced by G.
Protein change: p.Tyr234Cys; replaces tyrosine 234 with cysteine.
Molecular consequence: missense variant. On other transcripts: non-coding transcript variant (2).
Genome position (GRCh38, 1-based): chr13:94,578,129, T>C on the plus strand (A>G on the coding strand, the complement: TGDS is on the minus strand). VCF-style: chr13-94578129-T-C. GRCh37 (hg19) VCF-style: chr13-95230383-T-C.
Other names: c.605A>G, p.Tyr202Cys (NM_001304430.2); short protein forms Y234C, Y202C.
Identifiers: ClinVar variation 5005275 (VCV005005275.2).